The following is an entry in ClinVar:

NM_020461.4(TUBGCP6):c.5169-8C>A

Gene: TUBGCP6 (tubulin gamma complex component 6; minus strand). Cytogenetic location: 22q13.33.
Variant type: single nucleotide variant.
Coding change: c.5169-8C>A on transcript NM_020461.4 (MANE Select); 8 bases into the intron before coding-DNA position 5169, C replaced by A.
Molecular consequence: intron variant.
Genome position (GRCh38, 1-based): chr22:50,218,125, G>T on the plus strand (C>A on the coding strand, the complement: TUBGCP6 is on the minus strand). VCF-style: chr22-50218125-G-T. GRCh37 (hg19) VCF-style: chr22-50656554-G-T.
Identifiers: ClinVar variation 1437176 (VCV001437176.33), dbSNP rs376828922, ClinGen allele CA10307139.

ClinVar aggregate classification (germline): Conflicting classifications of pathogenicity. Review status: criteria provided, conflicting classifications (1 of 4 stars). 3 submissions from 3 submitters: Uncertain significance (1); Likely benign (2). Last evaluated 2025-03-05.

Allele frequency attached by ClinVar (database versions not stated): gnomAD 0.00003; TOPMed 0.00004; ExAC 0.00005; gnomAD exomes 0.00005; ESP Exome Variant Server 0.00015.
gnomAD v4.1: 106 of 1,611,424 alleles (0.0066%); highest among the groups gnomAD compares: Non-Finnish European, 0.0086%; no homozygotes.

Submissions (4):

Labcorp Genetics (formerly Invitae), Labcorp
Classification: Likely benign. Last evaluated: 2025-03-05. Review status: criteria provided, single submitter. Criteria: Invitae Variant Classification Sherloc (09022015). Collection method: clinical testing. Allele origin: germline.

Blueprint Genetics
Classification: Uncertain significance. Last evaluated: 2024-07-25. Review status: criteria provided, single submitter. Criteria: ACMG Guidelines, 2015. Collection method: clinical testing. Allele origin: germline.

CeGaT Center for Human Genetics Tuebingen
Classification: Likely benign. Last evaluated: 2024-01-01. Review status: criteria provided, single submitter. Criteria: CeGaT Center For Human Genetics Tuebingen Variant Classification Criteria Version 2. Collection method: clinical testing. Allele origin: germline. Affected: yes. Observed: 1 variant allele.
Comment: TUBGCP6: BP4

Dr. Peter K. Rogan Lab, Western University
No classification provided (evidence only). Condition: Sarcoma. Review status: no classification provided. Collection method: in vitro. Allele origin: not applicable. Functional consequence: retained intron. Not counted in ClinVar's aggregate classification.